The following is an entry in ClinVar:

NM_005529.7(HSPG2):c.8288G>A (p.Arg2763His)

Gene: HSPG2 (heparan sulfate proteoglycan 2; minus strand). Cytogenetic location: 1p36.12.
Variant type: single nucleotide variant.
Coding change: c.8288G>A on transcript NM_005529.7 (MANE Select); coding-DNA position 8288, G replaced by A.
Protein change: p.Arg2763His; replaces arginine 2763 with histidine.
Molecular consequence: missense variant.
Genome position (GRCh38, 1-based): chr1:21,846,476, C>T on the plus strand (G>A on the coding strand, the complement: HSPG2 is on the minus strand). VCF-style: chr1-21846476-C-T. GRCh37 (hg19) VCF-style: chr1-22172969-C-T.
Other names: c.8288G>A (NM_005529.5); c.8291G>A, p.Arg2764His (NM_001291860.2); short protein forms R2763H, R2764H.
Identifiers: ClinVar variation 198333 (VCV000198333.11), dbSNP rs188987688, ClinGen allele CA246922.

ClinVar aggregate classification (germline): Uncertain significance. Review status: criteria provided, multiple submitters, no conflicts (2 of 4 stars). 5 submissions from 5 submitters: Uncertain significance (5). Last evaluated 2025-04-07.

Conditions:
Inborn genetic diseases. Identifiers: MedGen C0950123, MeSH D030342.

Allele frequency attached by ClinVar (database versions not stated): ExAC 0.00016; 1000 Genomes Project 0.00020; 1000 Genomes Project 30x 0.00016; gnomAD exomes 0.00017; gnomAD 0.00004; TOPMed 0.00010.
gnomAD v4.1: 92 of 1,613,672 alleles (0.0057%); highest among the groups gnomAD compares: Admixed American, 0.072%; no homozygotes.

Submissions (5):

Revvity Omics, Revvity
Classification: Uncertain significance. Last evaluated: 2025-04-07. Review status: criteria provided, single submitter. Criteria: ACMG Guidelines, 2015. Collection method: clinical testing. Allele origin: germline.

Labcorp Genetics (formerly Invitae), Labcorp
Classification: Uncertain significance. Last evaluated: 2025-01-21. Review status: criteria provided, single submitter. Criteria: Invitae Variant Classification Sherloc (09022015). Collection method: clinical testing. Allele origin: germline.
Comment: This sequence change replaces arginine, which is basic and polar, with histidine, which is basic and polar, at codon 2763 of the HSPG2 protein (p.Arg2763His). This variant is present in population databases (rs188987688, gnomAD 0.1%). This variant has not been reported in the literature in individuals affected with HSPG2-related conditions. ClinVar contains an entry for this variant (Variation ID: 198333). An algorithm developed to predict the effect of missense changes on protein structure and function (PolyPhen-2) suggests that this variant¬†is likely to be tolerated. In summary, the available evidence is currently insufficient to determine the role of this variant in disease. Therefore, it has been classified as a Variant of Uncertain Significance.

Ambry Genetics
Classification: Uncertain significance for Inborn genetic diseases. Last evaluated: 2022-05-04. Review status: criteria provided, single submitter. Criteria: Ambry Variant Classification Scheme 2023. Collection method: clinical testing. Allele origin: germline.

Athena Diagnostics
Classification: Uncertain significance. Last evaluated: 2016-10-19. Review status: criteria provided, single submitter. Criteria: Athena Diagnostics Criteria. Collection method: clinical testing. Allele origin: germline.

Eurofins Ntd Llc (ga)
Classification: Uncertain significance. Last evaluated: 2015-05-05. Review status: criteria provided, single submitter. Criteria: EGL Classification Definitions 2015. Collection method: clinical testing. Allele origin: germline. Observed: 1 variant allele, 1 heterozygote.